The following is an entry in ClinVar:

ClinVar aggregate classification (germline): Pathogenic. Review status: criteria provided, multiple submitters, no conflicts (2 of 4 stars). 6 submissions from 6 submitters: Pathogenic (5). 1 of the submissions does not count toward it. Last evaluated 2025-07-31.

Conditions:
Autosomal recessive nonsyndromic hearing loss 2. Also called: DEAFNESS, AUTOSOMAL RECESSIVE 2; NEUROSENSORY NONSYNDROMIC RECESSIVE DEAFNESS 2. Identifiers: Orphanet 90636, MedGen C1838701, MONDO:0010807, OMIM 600060.
Usher syndrome type 1 (USH1). Also called: RETINITIS PIGMENTOSA AND CONGENITAL DEAFNESS. Identifiers: Orphanet 231169, Orphanet 886, MedGen C1568247, MONDO:0010168, OMIM 276900.
Autosomal dominant nonsyndromic hearing loss 11. Identifiers: Orphanet 90635, MedGen C1832475, MONDO:0011032, OMIM 601317.
MYO7A-related disorder. Also called: MYO7A-related disorders.
Retinal dystrophy. Also called: Inherited retinal dystrophy. Identifiers: Orphanet 71862, MedGen C0854723, MeSH D058499, MONDO:0019118, HP:0000556.

Submissions (6):

Labcorp Genetics (formerly Invitae), Labcorp
Classification: Pathogenic. Last evaluated: 2025-07-31. Review status: criteria provided, single submitter. Criteria: Invitae Variant Classification Sherloc (09022015). Collection method: clinical testing. Allele origin: germline.
Comment: This sequence change creates a premature translational stop signal (p.Gln1242*) in the MYO7A gene. It is expected to result in an absent or disrupted protein product. Loss-of-function variants in MYO7A are known to be pathogenic (PMID: 8900236, 25404053). This variant is not present in population databases (gnomAD no frequency). This premature translational stop signal has been observed in individual(s) with Usher syndrome (PMID: 33576163). ClinVar contains an entry for this variant (Variation ID: 372560). For these reasons, this variant has been classified as Pathogenic.

Ophthalmic Genetics Group, Institute of Molecular and Clinical Ophthalmology Basel
Classification: Pathogenic for Retinal dystrophy. Last evaluated: 2024-05-27. Review status: criteria provided, single submitter. Criteria: ACMG Guidelines, 2015. Collection method: research. Allele origin: germline. Affected: yes. Observed: 1 variant allele.
Comment: This variant was classified as Pathogenic based on ACMG criteria: PVS1_very strong, PS4_mod, and PM2_mod

Blueprint Genetics
Classification: Pathogenic for MYO7A-related disorders. Last evaluated: 2020-10-08. Review status: criteria provided, single submitter. Criteria: ACMG Guidelines, 2015. Collection method: clinical testing. Allele origin: germline. Affected: yes. Observed: 1 variant allele.

Fulgent Genetics
Classification: Pathogenic for Usher syndrome type 1; Autosomal recessive nonsyndromic hearing loss 2; Autosomal dominant nonsyndromic hearing loss 11. Last evaluated: 2018-10-31. Review status: criteria provided, single submitter. Criteria: ACMG Guidelines, 2015. Collection method: clinical testing. Allele origin: unknown.

GeneDx
Classification: Pathogenic. Last evaluated: 2016-01-25. Review status: criteria provided, single submitter. Criteria: GeneDx Variant Classification (06012015). Collection method: clinical testing. Allele origin: germline. Affected: yes.
Comment: The Q1242X nonsense variant in the MYO7A gene is predicted to cause loss of normal protein function either through protein truncation or nonsense-mediated mRNA decay. The Q1242X variant was not observed in approximately 6,300 individuals of European and African American ancestry in the NHLBI Exome Sequencing Project, indicating it is not a common benign variant in these populations. Although this variant has not been reported previously to our knowledge, we interpret it as pathogenic.

Counsyl
Classification: Likely pathogenic for Usher syndrome type 1; Autosomal recessive nonsyndromic hearing loss 2. Last evaluated: 2017-10-30. Review status: no assertion criteria provided. Collection method: clinical testing. Allele origin: unknown. Not counted in ClinVar's aggregate classification.

Literature cited by the submitters: PubMed 8900236 (cited by Labcorp Genetics (formerly Invitae), Labcorp); PubMed 25404053 (cited by Labcorp Genetics (formerly Invitae), Labcorp); PubMed 33576163 (cited by Labcorp Genetics (formerly Invitae), Labcorp); PubMed 40180963 (cited by Ophthalmic Genetics Group, Institute of Molecular and Clinical Ophthalmology Basel); PubMed 19683999 (cited by Counsyl).

NM_000260.4(MYO7A):c.3724C>T (p.Gln1242Ter)

Gene: MYO7A (myosin VIIA; plus strand). Cytogenetic location: 11q13.5.
Variant type: single nucleotide variant.
Coding change: c.3724C>T on transcript NM_000260.4 (MANE Select); coding-DNA position 3724, C replaced by T.
Protein change: p.Gln1242Ter; replaces glutamine 1242 with a stop codon.
Molecular consequence: nonsense.
Genome position (GRCh38, 1-based): chr11:77,190,113, C>T. VCF-style: chr11-77190113-C-T. GRCh37 (hg19) VCF-style: chr11-76901158-C-T.
Other names: NP_000251.3:p.(Gln1242Ter); c.3724C>T, p.Gln1242Ter (NM_001127180.2); c.3691C>T, p.Gln1231Ter (NM_001369365.1); short protein forms Q1242*, Q1231*.
Identifiers: ClinVar variation 372560 (VCV000372560.11), dbSNP rs1057517857, ClinGen allele CA16042854.